The following is an entry in ClinVar:

NM_147127.5(EVC2):c.1958A>G (p.Lys653Arg)

Gene: EVC2 (EvC ciliary complex subunit 2; minus strand). Cytogenetic location: 4p16.2.
Variant type: single nucleotide variant.
Coding change: c.1958A>G on transcript NM_147127.5 (MANE Select); coding-DNA position 1958, A replaced by G.
Protein change: p.Lys653Arg; replaces lysine 653 with arginine.
Molecular consequence: missense variant.
Genome position (GRCh38, 1-based): chr4:5,625,837, T>C on the plus strand (A>G on the coding strand, the complement: EVC2 is on the minus strand). VCF-style: chr4-5625837-T-C. GRCh37 (hg19) VCF-style: chr4-5627564-T-C.
Other names: c.1718A>G, p.Lys573Arg (NM_001166136.2); short protein forms K573R, K653R.
Identifiers: ClinVar variation 4791471 (VCV004791471.1).

ClinVar aggregate classification (germline): Uncertain significance (1 of 4 stars; one submission).

Conditions:
Ellis-van Creveld syndrome (EVC). Also called: EVC-Related Ellis-van Creveld Syndrome; EVC2-Related Ellis-van Creveld Syndrome; MESOECTODERMAL DYSPLASIA; Chondroectodermal dysplasia. Identifiers: Orphanet 289, MedGen C0013903, MONDO:0009162, OMIM 225500.
Curry-Hall syndrome (WAD). Also called: WEYERS ACRODENTAL DYSOSTOSIS. Identifiers: Orphanet 952, MedGen C0457013, MONDO:0008673, OMIM 193530.

gnomAD v4.1: 29 of 1,613,984 alleles (0.0018%); highest among the groups gnomAD compares: Non-Finnish European, 0.0023%; no homozygotes.

Submission:

Labcorp Genetics (formerly Invitae), Labcorp
Classification: Uncertain significance for Curry-Hall syndrome; Ellis-van Creveld syndrome. Last evaluated: 2025-04-09. Review status: criteria provided, single submitter. Criteria: Invitae Variant Classification Sherloc (09022015). Collection method: clinical testing. Allele origin: germline.
Comment: This sequence change replaces lysine, which is basic and polar, with arginine, which is basic and polar, at codon 653 of the EVC2 protein (p.Lys653Arg). This variant is present in population databases (rs139678716, gnomAD 0.006%). This variant has not been reported in the literature in individuals affected with EVC2-related conditions. An algorithm developed to predict the effect of missense changes on protein structure and function outputs the following: PolyPhen-2: "Benign". The arginine amino acid residue is found in multiple mammalian species, which suggests that this missense change does not adversely affect protein function. In summary, the available evidence is currently insufficient to determine the role of this variant in disease. Therefore, it has been classified as a Variant of Uncertain Significance.